The following is an entry in ClinVar:

ClinVar aggregate classification (germline): Uncertain significance (1 of 4 stars; one submission).

Conditions:
Neuropathy, hereditary sensory and autonomic, type 2A (HSAN2A). Also called: HSAN IIA; ACROOSTEOLYSIS, GIACCAI TYPE; ACROOSTEOLYSIS, NEUROGENIC; MORVAN DISEASE; NEUROPATHY, CONGENITAL SENSORY; NEUROPATHY, HEREDITARY SENSORY RADICULAR, AUTOSOMAL RECESSIVE. Identifiers: Orphanet 970, MedGen C2752089, MONDO:0024309, OMIM 201300.
Pseudohypoaldosteronism type 2C (PHA2C). Also called: Pseudohypoaldosteronism Type IIC. Identifiers: Orphanet 757, Orphanet 88940, MedGen C1840391, MONDO:0013778, OMIM 614492.

Allele frequency attached by ClinVar (database versions not stated): gnomAD exomes below 0.00001; TOPMed 0.00001; gnomAD 0.00002 and 0.00003; 1000 Genomes Project 30x 0.00016.
gnomAD v4.1: 9 of 1,593,054 alleles (0.00056%); highest among the groups gnomAD compares: African/African-American, 0.011%; no homozygotes.

Submission:

Labcorp Genetics (formerly Invitae), Labcorp
Classification: Uncertain significance for Neuropathy, hereditary sensory and autonomic, type 2A; Pseudohypoaldosteronism type 2C. Last evaluated: 2024-01-06. Review status: criteria provided, single submitter. Criteria: Invitae Variant Classification Sherloc (09022015). Collection method: clinical testing. Allele origin: germline.
Comment: This sequence change replaces threonine, which is neutral and polar, with isoleucine, which is neutral and non-polar, at codon 1988 of the WNK1 protein (p.Thr1988Ile). This variant is present in population databases (no rsID available, gnomAD 0.01%). This variant has not been reported in the literature in individuals affected with WNK1-related conditions. ClinVar contains an entry for this variant (Variation ID: 1514521). Advanced modeling of protein sequence and biophysical properties (such as structural, functional, and spatial information, amino acid conservation, physicochemical variation, residue mobility, and thermodynamic stability) performed at Invitae indicates that this missense variant is not expected to disrupt WNK1 protein function with a negative predictive value of 95%. In summary, the available evidence is currently insufficient to determine the role of this variant in disease. Therefore, it has been classified as a Variant of Uncertain Significance.

NM_018979.4(WNK1):c.5207C>T (p.Thr1736Ile)

Gene: WNK1 (WNK lysine deficient protein kinase 1; plus strand). Cytogenetic location: 12p13.33.
Variant type: single nucleotide variant.
Coding change: c.5207C>T on transcript NM_018979.4 (MANE Select); coding-DNA position 5207, C replaced by T.
Protein change: p.Thr1736Ile; replaces threonine 1736 with isoleucine.
Molecular consequence: missense variant.
Genome position (GRCh38, 1-based): chr12:886,011, C>T. VCF-style: chr12-886011-C-T. GRCh37 (hg19) VCF-style: chr12-995177-C-T.
Other names: c.5987C>T, p.Thr1996Ile (NM_001184985.2); c.4466C>T, p.Thr1489Ile (NM_014823.3); c.5963C>T, p.Thr1988Ile (NM_213655.5); short protein forms T1489I, T1996I, T1736I, T1988I.
Identifiers: ClinVar variation 1514521 (VCV001514521.8), dbSNP rs970481024, ClinGen allele CA231479608.